The following is an entry in ClinVar:

ClinVar aggregate classification (germline): Likely benign. Review status: criteria provided, multiple submitters, no conflicts (2 of 4 stars). 2 submissions from 2 submitters: Likely benign (2). Last evaluated 2026-08-01.

Conditions:
Sitosterolemia (STSL). Also called: PHYTOSTEROLEMIA. Identifiers: Orphanet 2882, MedGen C0342907, MONDO:0008863.

Allele frequency attached by ClinVar (database versions not stated): TOPMed 0.00001; ExAC 0.00004; gnomAD 0.00003.
gnomAD v4.1: 10 of 1,614,014 alleles (0.00062%); highest among the groups gnomAD compares: East Asian, 0.018%; no homozygotes.

Submissions (2):

CeGaT Center for Human Genetics Tuebingen
Classification: Likely benign. Last evaluated: 2026-08-01. Review status: criteria provided, single submitter. Criteria: CeGaT Center For Human Genetics Tuebingen Variant Classification Criteria Version 2. Collection method: clinical testing. Allele origin: germline. Affected: yes. Observed: 1 variant allele.
Comment: ABCG5: BP4, BP7

Labcorp Genetics (formerly Invitae), Labcorp
Classification: Likely benign for Sitosterolemia. Last evaluated: 2022-10-15. Review status: criteria provided, single submitter. Criteria: Invitae Variant Classification Sherloc (09022015). Collection method: clinical testing. Allele origin: germline.

NM_022436.3(ABCG5):c.543A>C (p.Ala181=)

Genes: ABCG5 (ATP binding cassette subfamily G member 5; minus strand), DYNC2LI1 (dynein cytoplasmic 2 light intermediate chain 1; plus strand). Cytogenetic location: 2p21.
Variant type: single nucleotide variant.
Coding change: c.543A>C on transcript NM_022436.3 (MANE Select); coding-DNA position 543, A replaced by C.
Protein change: p.Ala181=; no amino-acid change (alanine 181 retained).
Molecular consequence: synonymous variant. On other transcripts: 3 prime UTR variant (2).
Genome position (GRCh38, 1-based): chr2:43,828,074, T>G on the plus strand (A>C on the coding strand, the complement: ABCG5 is on the minus strand). VCF-style: chr2-43828074-T-G. GRCh37 (hg19) VCF-style: chr2-44055213-T-G.
Other names: c.*704T>G (NM_001348912.2, NM_001348913.2).
Identifiers: ClinVar variation 2166536 (VCV002166536.4), dbSNP rs767751451, ClinGen allele CA1636617.